The following is an entry in ClinVar:

ClinVar aggregate classification (germline): Uncertain significance (1 of 4 stars; one submission).

Submission:

Dasa
Classification: Uncertain significance. Last evaluated: 2025-06-21. Review status: criteria provided, single submitter. Criteria: DASA Assertion Criteria. Collection method: clinical testing. Allele origin: germline.
Comment: NM_001394062.1(MACF1):c.5909A>G (p.His1970Arg) is a missense variant that results in the substitution of histidine with arginine. This variant is absent from population databases. Computational prediction algorithms are consistent with a benign effect. The currently available literature and clinical evidence are not sufficient to establish a definitive association between this variant and the reported condition. Therefore, this variant is classified as a variant of uncertain significance.

NM_001394062.1(MACF1):c.5909A>G (p.His1970Arg)

Gene: MACF1 (microtubule actin crosslinking factor 1; plus strand). Cytogenetic location: 1p34.3.
Variant type: single nucleotide variant.
Coding change: c.5909A>G on transcript NM_001394062.1 (MANE Select); coding-DNA position 5909, A replaced by G.
Protein change: p.His1970Arg; replaces histidine 1970 with arginine.
Molecular consequence: missense variant. On other transcripts: intron variant (1).
Genome position (GRCh38, 1-based): chr1:39,332,497, A>G. VCF-style: chr1-39332497-A-G. GRCh37 (hg19) VCF-style: chr1-39798169-A-G.
Other names: c.4629+5144A>G (NM_012090.5); short protein forms H1970R.
Identifiers: ClinVar variation 4885157 (VCV004885157.2).